The following is an entry in ClinVar:

ClinVar aggregate classification (germline): Uncertain significance. Review status: criteria provided, multiple submitters, no conflicts (2 of 4 stars). 3 submissions from 3 submitters: Uncertain significance (2). 1 of the submissions does not count toward it. Last evaluated 2025-02-13.

Conditions:
Inborn genetic diseases. Identifiers: MedGen C0950123, MeSH D030342.
Choroideremia. Also called: Chorioretinal scalloped atrophy. Identifiers: Orphanet 180, MedGen C0008525, MONDO:0010557, OMIM 303100, HP:0001139.

Allele frequency attached by ClinVar (database versions not stated): gnomAD 0.00002; gnomAD exomes 0.00002 and 0.00003; TOPMed 0.00002; ExAC 0.00005; ESP Exome Variant Server 0.00009.
gnomAD v4.1: 29 of 1,206,505 alleles (0.0024%); highest among the groups gnomAD compares: Non-Finnish European, 0.0029%; no homozygotes.

Submissions (3):

Ambry Genetics
Classification: Uncertain significance for Inborn genetic diseases. Last evaluated: 2025-02-13. Review status: criteria provided, single submitter. Criteria: Ambry Variant Classification Scheme 2023. Collection method: clinical testing. Allele origin: germline.

Labcorp Genetics (formerly Invitae), Labcorp
Classification: Uncertain significance. Last evaluated: 2024-02-24. Review status: criteria provided, single submitter. Criteria: Invitae Variant Classification Sherloc (09022015). Collection method: clinical testing. Allele origin: germline.
Comment: This sequence change replaces alanine, which is neutral and non-polar, with valine, which is neutral and non-polar, at codon 123 of the CHM protein (p.Ala123Val). This variant is present in population databases (rs372532715, gnomAD 0.006%), including at least one homozygous and/or hemizygous individual. This variant has not been reported in the literature in individuals affected with CHM-related conditions. ClinVar contains an entry for this variant (Variation ID: 1038440). An algorithm developed to predict the effect of missense changes on protein structure and function (PolyPhen-2) suggests that this variant is likely to be tolerated. In summary, the available evidence is currently insufficient to determine the role of this variant in disease. Therefore, it has been classified as a Variant of Uncertain Significance.

Natera, Inc.
Classification: Uncertain significance for Choroideremia. Last evaluated: 2020-05-06. Review status: no assertion criteria provided. Collection method: clinical testing. Allele origin: germline. Not counted in ClinVar's aggregate classification.

NM_000390.4(CHM):c.368C>T (p.Ala123Val)

Genes: CHM (CHM Rab escort protein; minus strand), LOC129391306 (MPRA-validated peak7401 silencer; plus strand). Cytogenetic location: Xq21.2.
Variant type: single nucleotide variant.
Coding change: c.368C>T on transcript NM_000390.4 (MANE Select); coding-DNA position 368, C replaced by T.
Protein change: p.Ala123Val; replaces alanine 123 with valine.
Molecular consequence: missense variant. On other transcripts: 5 prime UTR variant (4).
Genome position (GRCh38, 1-based): chrX:85,963,999, G>A on the plus strand (C>T on the coding strand, the complement: CHM is on the minus strand). VCF-style: chrX-85963999-G-A. GRCh37 (hg19) VCF-style: chrX-85219004-G-A.
Other names: c.-77C>T (NM_001320959.1, NM_001362517.1, NM_001362518.2 and 1 more transcripts); c.368C>T (NM_000390.2); short protein forms A123V.
Identifiers: ClinVar variation 1038440 (VCV001038440.10), dbSNP rs372532715, ClinGen allele CA10465584.